The following is an entry in ClinVar:

ClinVar aggregate classification (germline): Likely benign (1 of 4 stars; one submission).

gnomAD v4.1: 7 of 1,605,606 alleles (0.00044%); highest among the groups gnomAD compares: Non-Finnish European, 0.00059%; no homozygotes.

Submission:

GeneDx
Classification: Likely benign. Last evaluated: 2017-10-24. Review status: criteria provided, single submitter. Criteria: GeneDx Variant Classification (06012015). Collection method: clinical testing. Allele origin: germline. Affected: yes.
Comment: This variant is considered likely benign or benign based on one or more of the following criteria: it is a conservative change, it occurs at a poorly conserved position in the protein, it is predicted to be benign by multiple in silico algorithms, and/or has population frequency not consistent with disease.

NM_024675.4(PALB2):c.-36G>C

Gene: PALB2 (partner and localizer of BRCA2; minus strand). Cytogenetic location: 16p12.2.
Variant type: single nucleotide variant.
Coding change: c.-36G>C on transcript NM_024675.4 (MANE Select); 36 bases upstream of the start codon, G replaced by C.
Molecular consequence: 5 prime UTR variant.
Genome position (GRCh38, 1-based): chr16:23,641,193, C>G on the plus strand (G>C on the coding strand, the complement: PALB2 is on the minus strand). VCF-style: chr16-23641193-C-G. GRCh37 (hg19) VCF-style: chr16-23652514-C-G.
Identifiers: ClinVar variation 512991 (VCV000512991.1), dbSNP rs775325716, ClinGen allele CA621336761.
Genomic context (GRCh38, chr16:23,641,193, plus strand): 5'-GGGGCTTCCCGGGAGGCTCGTCCATCGGGCAGGCGACAGAACGAAAAGAGCAGCCGTCGC[C>G]GACCCCAGGCCTGCCGACACCGGGACCCAGTTGGCCCTGGGCCGGGGAGGCGCCCCAGGA-3'